The following is an entry in ClinVar:

ClinVar aggregate classification (germline): Uncertain significance. Review status: criteria provided, multiple submitters, no conflicts (2 of 4 stars). 2 submissions from 2 submitters: Uncertain significance (2). Last evaluated 2024-08-14.

Conditions:
Inborn genetic diseases. Identifiers: MedGen C0950123, MeSH D030342.

gnomAD v4.1: 8 of 1,585,104 alleles (0.0005%); highest among the groups gnomAD compares: South Asian, 0.0047%; no homozygotes.

Submissions (2):

GeneDx
Classification: Uncertain significance. Last evaluated: 2024-08-14. Review status: criteria provided, single submitter. Criteria: GeneDx Variant Classification Process June 2021. Collection method: clinical testing. Allele origin: germline. Affected: yes.
Comment: Not observed at significant frequency in large population cohorts (gnomAD); In silico analysis indicates that this missense variant does not alter protein structure/function; Has not been previously published as pathogenic or benign to our knowledge

Ambry Genetics
Classification: Uncertain significance for Inborn genetic diseases. Last evaluated: 2024-03-20. Review status: criteria provided, single submitter. Criteria: Ambry Variant Classification Scheme 2023. Collection method: clinical testing. Allele origin: germline.

NM_002887.4(RARS1):c.796A>G (p.Ile266Val)

Gene: RARS1 (arginyl-tRNA synthetase 1; plus strand). Cytogenetic location: 5q34.
Variant type: single nucleotide variant.
Coding change: c.796A>G on transcript NM_002887.4 (MANE Select); coding-DNA position 796, A replaced by G.
Protein change: p.Ile266Val; replaces isoleucine 266 with valine.
Molecular consequence: missense variant.
Genome position (GRCh38, 1-based): chr5:168,497,322, A>G. VCF-style: chr5-168497322-A-G. GRCh37 (hg19) VCF-style: chr5-167924327-A-G.
Other names: short protein forms I266V.
Identifiers: ClinVar variation 3312824 (VCV003312824.2).